The following is an entry in ClinVar:

NM_001851.6(COL9A1):c.158A>G (p.Asp53Gly)

Gene: COL9A1 (collagen type IX alpha 1 chain; minus strand). Cytogenetic location: 6q13.
Variant type: single nucleotide variant.
Coding change: c.158A>G on transcript NM_001851.6 (MANE Select); coding-DNA position 158, A replaced by G.
Protein change: p.Asp53Gly; replaces aspartic acid 53 with glycine.
Molecular consequence: missense variant.
Genome position (GRCh38, 1-based): chr6:70,300,317, T>C on the plus strand (A>G on the coding strand, the complement: COL9A1 is on the minus strand). VCF-style: chr6-70300317-T-C. GRCh37 (hg19) VCF-style: chr6-71010020-T-C.
Other names: c.158A>G, p.Asp53Gly (NM_001377291.1); short protein forms D53G.
Identifiers: ClinVar variation 1593762 (VCV001593762.11), dbSNP rs564421091, ClinGen allele CA3882911.
Genomic context (GRCh38, chr6:70,300,317, plus strand): 5'-AAATCAGGTTTATAGAAAGCATGCATTTTCAATAGGGTACATTGCTACTCACCTGGTAAG[T>C]CATCTTGGCCAATCCTGATCTTTGGACAGAGTTCATTTCCACCATTAGAATTGGAATTGA-3'
Protein context (NP_001842.3, residues 43-63): LCPKIRIGQD[Asp53Gly]LPGFDLISQF

ClinVar aggregate classification (germline): Conflicting classifications of pathogenicity. Review status: criteria provided, conflicting classifications (1 of 4 stars). 4 submissions from 4 submitters: Uncertain significance (2); Likely benign (1). 1 of the submissions does not count toward it. Last evaluated 2025-11-25.

Conditions:
Retinal dystrophy. Also called: Inherited retinal dystrophy. Identifiers: Orphanet 71862, MedGen C0854723, MeSH D058499, MONDO:0019118, HP:0000556.

Allele frequency attached by ClinVar (database versions not stated): gnomAD 0.00003; gnomAD exomes 0.00008 and 0.00016; ExAC 0.00016; 1000 Genomes Project 30x 0.00031; 1000 Genomes Project 0.00040.
gnomAD v4.1: 123 of 1,613,528 alleles (0.0076%); highest among the groups gnomAD compares: South Asian, 0.12%; 1 homozygote.

Submissions (4):

Labcorp Genetics (formerly Invitae), Labcorp
Classification: Likely benign. Last evaluated: 2025-11-25. Review status: criteria provided, single submitter. Criteria: Invitae Variant Classification Sherloc (09022015). Collection method: clinical testing. Allele origin: germline.

Women's Health and Genetics/Laboratory Corporation of America, LabCorp
Classification: Uncertain significance. Last evaluated: 2024-10-21. Review status: criteria provided, single submitter. Criteria: LabCorp Variant Classification Summary - May 2015. Collection method: clinical testing. Allele origin: germline.
Comment: Variant summary: COL9A1 c.158A>G (p.Asp53Gly) results in a non-conservative amino acid change located in the Thrombospondin-like, N-terminal domain (IPR048287) of the encoded protein sequence. Five of five in-silico tools predict a damaging effect of the variant on protein function. The variant allele was found at a frequency of 0.00016 in 251328 control chromosomes, predominantly at a frequency of 0.0013 within the South Asian subpopulation in the gnomAD database. This frequency is not significantly higher than estimated for a pathogenic variant in COL9A1 causing COL9A1-Related Disorders, allowing no conclusion about variant significance. To our knowledge, no occurrence of c.158A>G in individuals affected with COL9A1-Related Disorders and no experimental evidence demonstrating its impact on protein function have been reported. ClinVar contains an entry for this variant (Variation ID: 1593762). Based on the evidence outlined above, the variant was classified as uncertain significance.

Blueprint Genetics
Classification: Uncertain significance. Last evaluated: 2024-10-16. Review status: criteria provided, single submitter. Criteria: ACMG Guidelines, 2015. Collection method: clinical testing. Allele origin: germline.

Institute of Human Genetics, Univ. Regensburg, Univ. Regensburg
Classification: Uncertain significance for Retinal dystrophy. Last evaluated: 2022-01-01. Review status: no assertion criteria provided. Criteria: ACMG Guidelines, 2015. Collection method: clinical testing. Allele origin: germline. Affected: yes. Not counted in ClinVar's aggregate classification.